The following is an entry in ClinVar:

ClinVar aggregate classification (germline): Uncertain significance (1 of 4 stars; one submission).

Conditions:
Pallister-Hall syndrome (PHS). Also called: HYPOTHALAMIC HAMARTOBLASTOMA, HYPOPITUITARISM, IMPERFORATE ANUS, AND POSTAXIAL POLYDACTYLY; GLI3-Related Pallister-Hall Syndrome. Identifiers: Orphanet 672, MedGen C0265220, MONDO:0007804, OMIM 146510.
Greig cephalopolysyndactyly syndrome (GCPS). Also called: GLI3-Related Greig Cephalopolysyndactyly Syndrome; POLYSYNDACTYLY WITH PECULIAR SKULL SHAPE; Greig syndrome. Identifiers: Orphanet 380, MedGen C0265306, MONDO:0008287, OMIM 175700.

gnomAD v4.1: 1 of 1,613,880 alleles (0.000062%); highest among the groups gnomAD compares: Non-Finnish European, 0.000085%; no homozygotes.

Submission:

Labcorp Genetics (formerly Invitae), Labcorp
Classification: Uncertain significance for Pallister-Hall syndrome; Greig cephalopolysyndactyly syndrome. Last evaluated: 2024-06-24. Review status: criteria provided, single submitter. Criteria: Invitae Variant Classification Sherloc (09022015). Collection method: clinical testing. Allele origin: germline.
Comment: This sequence change replaces threonine, which is neutral and polar, with alanine, which is neutral and non-polar, at codon 1554 of the GLI3 protein (p.Thr1554Ala). This variant is not present in population databases (gnomAD no frequency). This variant has not been reported in the literature in individuals affected with GLI3-related conditions. Algorithms developed to predict the effect of missense changes on protein structure and function output the following: SIFT: "Not Available"; PolyPhen-2: "Benign"; Align-GVGD: "Not Available". The alanine amino acid residue is found in multiple mammalian species, which suggests that this missense change does not adversely affect protein function. In summary, the available evidence is currently insufficient to determine the role of this variant in disease. Therefore, it has been classified as a Variant of Uncertain Significance.

NM_000168.6(GLI3):c.4660A>G (p.Thr1554Ala)

Gene: GLI3 (GLI family zinc finger 3; minus strand). Cytogenetic location: 7p14.1.
Variant type: single nucleotide variant.
Coding change: c.4660A>G on transcript NM_000168.6 (MANE Select); coding-DNA position 4660, A replaced by G.
Protein change: p.Thr1554Ala; replaces threonine 1554 with alanine.
Molecular consequence: missense variant.
Genome position (GRCh38, 1-based): chr7:41,964,413, T>C on the plus strand (A>G on the coding strand, the complement: GLI3 is on the minus strand). VCF-style: chr7-41964413-T-C. GRCh37 (hg19) VCF-style: chr7-42004011-T-C.
Other names: short protein forms T1554A.
Identifiers: ClinVar variation 3751438 (VCV003751438.2).